The following is an entry in ClinVar:

NM_001367721.1(CASK):c.428A>C (p.Lys143Thr)

Gene: CASK (calcium/calmodulin dependent serine protein kinase; minus strand). Cytogenetic location: Xp11.4.
Variant type: single nucleotide variant.
Coding change: c.428A>C on transcript NM_001367721.1 (MANE Select); coding-DNA position 428, A replaced by C.
Protein change: p.Lys143Thr; replaces lysine 143 with threonine.
Molecular consequence: missense variant.
Genome position (GRCh38, 1-based): chrX:41,739,385, T>G on the plus strand (A>C on the coding strand, the complement: CASK is on the minus strand). VCF-style: chrX-41739385-T-G. GRCh37 (hg19) VCF-style: chrX-41598638-T-G.
Other names: c.428A>C, p.Lys143Thr (NM_001126054.3, NM_001126055.3, NM_001410745.1 and 1 more transcripts); short protein forms K143T.
Identifiers: ClinVar variation 3906651 (VCV003906651.1).

ClinVar aggregate classification (germline): Uncertain significance (1 of 4 stars; one submission).

Submission:

GeneDx
Classification: Uncertain significance. Last evaluated: 2024-12-18. Review status: criteria provided, single submitter. Criteria: GeneDx Variant Classification Process June 2021. Collection method: clinical testing. Allele origin: germline. Affected: yes.
Comment: Not observed at significant frequency in large population cohorts (gnomAD); In silico analysis supports that this missense variant has a deleterious effect on protein structure/function; Has not been previously published as pathogenic or benign to our knowledge